The following is an entry in ClinVar:

NM_000218.3(KCNQ1):c.1393+29634T>C

Genes: KCNQ1 (potassium voltage-gated channel subfamily Q member 1; plus strand), KCNQ1OT1 (KCNQ1 opposite strand/antisense transcript 1; minus strand). Cytogenetic location: 11p15.5.
Variant type: single nucleotide variant.
Coding change: c.1393+29634T>C on transcript NM_000218.3 (MANE Select); 29634 bases into the intron after coding-DNA position 1393, T replaced by C.
Molecular consequence: intron variant. On other transcripts: non-coding transcript variant (1).
Genome position (GRCh38, 1-based): chr11:2,618,488, T>C. VCF-style: chr11-2618488-T-C. GRCh37 (hg19) VCF-style: chr11-2639718-T-C.
Other names: c.1123+29634T>C (NM_001406837.1); c.1297+29634T>C (NM_001406836.1); c.853+29634T>C (NM_001406838.1); c.1012+29634T>C (NM_181798.2).
Identifiers: ClinVar variation 2641377 (VCV002641377.24), dbSNP rs191366320, ClinGen allele CA216361133.
Genomic context (GRCh38, chr11:2,618,488, plus strand): 5'-TGGGTTTCCTAACGTCATTTATGAGAGAGACTATCTTTCTGCATTGTTTTCTTCGTGTTC[T>C]TGTGGAAAATTGGTTGATCATATATCTTTGAATTTCTTTCTGGGCTCTCTATTCTGTTCC-3'

ClinVar aggregate classification (germline): Benign (1 of 4 stars; one submission).

Allele frequency attached by ClinVar (database versions not stated): TOPMed 0.00144; gnomAD exomes 0.00016; 1000 Genomes Project 0.00100; 1000 Genomes Project 30x 0.00125; gnomAD 0.00129.
gnomAD v4.1: 234 of 398,612 alleles (0.059%); highest among the groups gnomAD compares: African/African-American, 0.45%; no homozygotes.

Submission:

CeGaT Center for Human Genetics Tuebingen
Classification: Benign. Last evaluated: 2023-07-01. Review status: criteria provided, single submitter. Criteria: CeGaT Center For Human Genetics Tuebingen Variant Classification Criteria Version 2. Collection method: clinical testing. Allele origin: germline. Affected: yes. Observed: 2 variant alleles.
Comment: KCNQ1OT1: BS1, BS2